The following is an entry in ClinVar:

ClinVar aggregate classification (germline): Pathogenic (1 of 4 stars; one submission).

Conditions:
Myofibrillar myopathy 5. Also called: Filaminopathy (type); FILAMINOPATHY, AUTOSOMAL DOMINANT. Identifiers: Orphanet 171445, MedGen C1836050, MONDO:0012289, OMIM 609524.
Distal myopathy with posterior leg and anterior hand involvement. Also called: WILLIAMS DISTAL MYOPATHY. Identifiers: Orphanet 63273, MedGen C3279722, MONDO:0013550, OMIM 614065.
Hypertrophic cardiomyopathy 26. Also called: Cardiomyopathy, familial hypertrophic, 26. Identifiers: Orphanet 75249, MedGen C4310749, MONDO:0014883, OMIM 617047.

Submission:

Labcorp Genetics (formerly Invitae), Labcorp
Classification: Pathogenic for Distal myopathy with posterior leg and anterior hand involvement; Myofibrillar myopathy 5; Hypertrophic cardiomyopathy 26. Last evaluated: 2020-04-13. Review status: criteria provided, single submitter. Criteria: Invitae Variant Classification Sherloc (09022015). Collection method: clinical testing. Allele origin: germline.
Comment: This sequence change creates a premature translational stop signal (p.Tyr1519*) in the FLNC gene. It is expected to result in an absent or disrupted protein product. This variant is not present in population databases (ExAC no frequency). This variant has not been reported in the literature in individuals with FLNC-related conditions. Algorithms developed to predict the effect of sequence changes on RNA splicing suggest that this variant may create or strengthen a splice site, but this prediction has not been confirmed by published transcriptional studies. Loss-of-function variants in FLNC are known to be pathogenic (PMID: 27908349). For these reasons, this variant has been classified as Pathogenic.

Literature cited by the submitters: PubMed 27908349.

NM_001458.5(FLNC):c.4557T>A (p.Tyr1519Ter)

Gene: FLNC (filamin C; plus strand). Cytogenetic location: 7q32.1.
Variant type: single nucleotide variant.
Coding change: c.4557T>A on transcript NM_001458.5 (MANE Select); coding-DNA position 4557, T replaced by A.
Protein change: p.Tyr1519Ter; replaces tyrosine 1519 with a stop codon.
Molecular consequence: nonsense.
Genome position (GRCh38, 1-based): chr7:128,848,045, T>A. VCF-style: chr7-128848045-T-A. GRCh37 (hg19) VCF-style: chr7-128488099-T-A.
Other names: c.4557T>A, p.Tyr1519Ter (NM_001127487.2); short protein forms Y1519*.
Identifiers: ClinVar variation 1076103 (VCV001076103.7), dbSNP rs2128937364, ClinGen allele CA369202008.
Genomic context (GRCh38, chr7:128,848,045, plus strand): 5'-CACCCACACTGTCCACTACACCCCAGCCACTGACGGGCCCTACACGGTAGCCGTCAAGTA[T>A]GCTGACCAGGAGGTGCCACGCAGGTGAGGACCAGCCCTGGGCTCCTGTGCTGCGGCTGAG-3'